The following is an entry in ClinVar:

NM_000155.4(GALT):c.72C>G (p.Phe24Leu)

Gene: GALT (galactose-1-phosphate uridylyltransferase; plus strand). Cytogenetic location: 9p13.3.
Variant type: single nucleotide variant.
Coding change: c.72C>G on transcript NM_000155.4 (MANE Select); coding-DNA position 72, C replaced by G.
Protein change: p.Phe24Leu; replaces phenylalanine 24 with leucine.
Molecular consequence: missense variant. On other transcripts: 5 prime UTR variant (1).
Genome position (GRCh38, 1-based): chr9:34,646,776, C>G. VCF-style: chr9-34646776-C-G. GRCh37 (hg19) VCF-style: chr9-34646773-C-G.
Other names: p.Phe24Leu; c.-131C>G (NM_001258332.2); short protein forms F24L.
Identifiers: ClinVar variation 4541430 (VCV004541430.1).
Genomic context (GRCh38, chr9:34,646,776, plus strand): 5'-TGGAACCGATCCTCAGCAACGCCAGCAGGCGTCAGAGGCGGACGCCGCAGCAGCAACCTT[C>G]CGGGCAAACGGTAACTGCACCGCGGCAGGGACTCGCTGGGGCGCGGAGCCGAGCCCTCCC-3'
Protein context (NP_000146.2, residues 14-34): ASEADAAAAT[Phe24Leu]RANDHQHIRY

ClinVar aggregate classification (germline): Uncertain significance (1 of 4 stars; one submission).

Submission:

Mayo Clinic Laboratories, Mayo Clinic
Classification: Uncertain significance. Last evaluated: 2025-09-19. Review status: criteria provided, single submitter. Criteria: ACMG Guidelines, 2015. Collection method: clinical testing. Allele origin: germline. Observed: 1 variant allele.
Comment: PP3_moderate, PM2_supporting